The following is an entry in ClinVar:

NM_019842.4(KCNQ5):c.1105C>A (p.Pro369Thr)

Gene: KCNQ5 (potassium voltage-gated channel subfamily Q member 5; plus strand). Cytogenetic location: 6q13.
Variant type: single nucleotide variant.
Coding change: c.1105C>A on transcript NM_019842.4 (MANE Select); coding-DNA position 1105, C replaced by A.
Protein change: p.Pro369Thr; replaces proline 369 with threonine.
Molecular consequence: missense variant.
Genome position (GRCh38, 1-based): chr6:73,111,383, C>A. VCF-style: chr6-73111383-C-A. GRCh37 (hg19) VCF-style: chr6-73821106-C-A.
Other names: c.1105C>A, p.Pro369Thr (NM_001160130.2, NM_001160132.2, NM_001160133.2 and 1 more transcripts); short protein forms P369T.
Identifiers: ClinVar variation 521362 (VCV000521362.6), dbSNP rs1554210418, ClinGen allele CA364826970.

ClinVar aggregate classification (germline): Pathogenic/Likely pathogenic. Review status: criteria provided, multiple submitters, no conflicts (2 of 4 stars). 2 submissions from 2 submitters: Pathogenic (1); Likely pathogenic (1). Last evaluated 2025-03-25.

Conditions:
Inborn genetic diseases. Identifiers: MedGen C0950123, MeSH D030342.
Intellectual developmental disorder, autosomal dominant 46. Also called: Intellectual disability, autosomal dominant 46; MENTAL RETARDATION, AUTOSOMAL DOMINANT 46. Identifiers: MedGen C4539851, MONDO:0030911, OMIM 617601.

Allele frequency attached by ClinVar (database versions not stated): gnomAD exomes below 0.00001.
gnomAD v4.1: 1 of 1,609,954 alleles (0.000062%); highest among the groups gnomAD compares: South Asian, 0.0011%; no homozygotes.

Submissions (2):

Victorian Clinical Genetics Services, Murdoch Childrens Research Institute
Classification: Pathogenic for Intellectual developmental disorder, autosomal dominant 46. Last evaluated: 2025-03-25. Review status: criteria provided, single submitter. Criteria: ACMG Guidelines, 2015. Collection method: clinical testing. Allele origin: germline. Affected: yes.
Comment: This variant is classified as Pathogenic. Evidence in support of pathogenic classification: Variant is present in gnomAD <0.001 for a dominant condition (v4: 1 heterozygote(s), 0 homozygote(s); This variant has moderate previous evidence of pathogenicity in an unrelated individual. This variant has been shown to be de novo and classified as likely pathogenic in an individual with an epileptic encephalopathy (ClinVar, PMID: 35583973); Other missense variants comparable to the one identified in this case have moderate previous evidence for pathogenicity. The p.(Pro369Ser) and p.(Pro369Gln) variants have been classified as pathogenic by clinical laboratories (ClinVar). The p.(Pro369Arg) and p.(Pro369Leu) variants have been reported as de novo in individuals with KCNQ5-related features (PMIDs: 28669405, 36672771); Missense variant predicted to be damaging by in silico tool(s) or highly conserved with a major amino acid change; Additional information: Variant is predicted to result in a missense amino acid change from proline to threonine; This variant is heterozygous; This gene is associated with autosomal dominant disease; Variant is located in the annotated cytosolic COOH-terminal tail domain (PMID: 35583973); Loss of function and gain of function are known mechanisms of disease in this gene and are associated with intellectual developmental disorder, autosomal dominant 46 (MIM#617601; PMID: 28669405).

Ambry Genetics
Classification: Likely pathogenic for Inborn genetic diseases. Last evaluated: 2017-12-14. Review status: criteria provided, single submitter. Criteria: Ambry exome assertion method (8-5-2015). Collection method: clinical testing. Allele origin: germline. Affected: yes. Observed: 1 variant allele.

Literature cited by the submitters: PubMed 35583973 (cited by Victorian Clinical Genetics Services, Murdoch Childrens Research Institute); PubMed 28669405 (cited by Victorian Clinical Genetics Services, Murdoch Childrens Research Institute and Ambry Genetics); PubMed 36672771 (cited by Victorian Clinical Genetics Services, Murdoch Childrens Research Institute); PubMed 27602407 (cited by Ambry Genetics); PubMed 18004376 (cited by Ambry Genetics).